The following is an entry in ClinVar:

ClinVar aggregate classification (germline): Likely pathogenic (1 of 4 stars; one submission).

Submission:

Labcorp Genetics (formerly Invitae), Labcorp
Classification: Likely pathogenic. Last evaluated: 2023-02-02. Review status: criteria provided, single submitter. Criteria: Invitae Variant Classification Sherloc (09022015). Collection method: clinical testing. Allele origin: germline.
Comment: Algorithms developed to predict the effect of sequence changes on RNA splicing suggest that this variant may disrupt the consensus splice site. In summary, the currently available evidence indicates that the variant is pathogenic, but additional data are needed to prove that conclusively. Therefore, this variant has been classified as Likely Pathogenic. This sequence change affects a donor splice site in intron 35 of the EYS gene. It is expected to disrupt RNA splicing. Variants that disrupt the donor or acceptor splice site typically lead to a loss of protein function (PMID: 16199547), and loss-of-function variants in EYS are known to be pathogenic (PMID: 18836446, 20333770). This variant is not present in population databases (gnomAD no frequency). Disruption of this splice site has been observed in individual(s) with retinitis pigmentosa (PMID: 24265693).

Literature cited by the submitters: PubMed 16199547; PubMed 18836446; PubMed 20333770; PubMed 24265693.

NM_001142800.2(EYS):c.7055+2T>C

Gene: EYS (EGF-like photoreceptor maintenance factor; minus strand). Cytogenetic location: 6q12.
Variant type: single nucleotide variant.
Coding change: c.7055+2T>C on transcript NM_001142800.2 (MANE Select); the canonical splice donor site of the intron after coding-DNA position 7055, T replaced by C.
Molecular consequence: splice donor variant.
Genome position (GRCh38, 1-based): chr6:63,984,381, A>G on the plus strand (T>C on the coding strand, the complement: EYS is on the minus strand). VCF-style: chr6-63984381-A-G. GRCh37 (hg19) VCF-style: chr6-64694274-A-G.
Other names: c.7055+2T>C (NM_001292009.2).
Identifiers: ClinVar variation 2833836 (VCV002833836.3), dbSNP rs2533328767, ClinGen allele CA364387291.